The following is an entry in ClinVar:

ClinVar aggregate classification (germline): Likely benign (0 of 4 stars; one submission).

Conditions:
DYRK1B-related disorder. Also called: DYRK1B-related condition.

Allele frequency attached by ClinVar (database versions not stated): TOPMed 0.00005; gnomAD exomes 0.00010; gnomAD 0.00024; ExAC 0.00026; 1000 Genomes Project 0.00060; 1000 Genomes Project 30x 0.00062.
gnomAD v4.1: 184 of 1,607,458 alleles (0.011%); highest among the groups gnomAD compares: East Asian, 0.067%; no homozygotes.

Submission:

PreventionGenetics, part of Exact Sciences
Classification: Likely benign for DYRK1B-related condition. Last evaluated: 2021-05-19. Review status: no assertion criteria provided. Collection method: clinical testing. Allele origin: germline.
Comment: This variant is classified as likely benign based on ACMG/AMP sequence variant interpretation guidelines (Richards et al. 2015 PMID: 25741868, with internal and published modifications).

NM_004714.3(DYRK1B):c.1784G>A (p.Arg595Gln)

Gene: DYRK1B (dual specificity tyrosine phosphorylation regulated kinase 1B; minus strand). Cytogenetic location: 19q13.2.
Variant type: single nucleotide variant.
Coding change: c.1784G>A on transcript NM_004714.3 (MANE Select); coding-DNA position 1784, G replaced by A.
Protein change: p.Arg595Gln; replaces arginine 595 with glutamine.
Molecular consequence: missense variant.
Genome position (GRCh38, 1-based): chr19:39,825,821, C>T on the plus strand (G>A on the coding strand, the complement: DYRK1B is on the minus strand). VCF-style: chr19-39825821-C-T. GRCh37 (hg19) VCF-style: chr19-40316461-C-T.
Other names: c.1664G>A, p.Arg555Gln (NM_006483.3); c.1700G>A, p.Arg567Gln (NM_006484.3); short protein forms R555Q, R567Q, R595Q.
Identifiers: ClinVar variation 3035214 (VCV003035214.2), dbSNP rs200681061, ClinGen allele CA9433919.